The following is an entry in ClinVar:

ClinVar aggregate classification (germline): Uncertain significance. Review status: criteria provided, multiple submitters, no conflicts (2 of 4 stars). 2 submissions from 2 submitters: Uncertain significance (2). Last evaluated 2025-12-23.

Conditions:
Inborn genetic diseases. Identifiers: MedGen C0950123, MeSH D030342.
Familial cold autoinflammatory syndrome 3 (FCAS3). Also called: FAMILIAL ATYPICAL COLD URTICARIA; ANTIBODY DEFICIENCY AND IMMUNE DYSREGULATION, PLCG2-ASSOCIATED. Identifiers: Orphanet 300359, MedGen C3280914, MONDO:0013766, OMIM 614468.

Allele frequency attached by ClinVar (database versions not stated): gnomAD 0.00001; gnomAD exomes 0.00001; TOPMed 0.00002.
gnomAD v4.1: 9 of 1,589,934 alleles (0.00057%); highest among the groups gnomAD compares: African/African-American, 0.0013%; no homozygotes.

Submissions (2):

Labcorp Genetics (formerly Invitae), Labcorp
Classification: Uncertain significance for Familial cold autoinflammatory syndrome 3. Last evaluated: 2025-12-23. Review status: criteria provided, single submitter. Criteria: Invitae Variant Classification Sherloc (09022015). Collection method: clinical testing. Allele origin: germline.
Comment: This sequence change replaces phenylalanine, which is neutral and non-polar, with leucine, which is neutral and non-polar, at codon 286 of the PLCG2 protein (p.Phe286Leu). This variant is present in population databases (no rsID available, gnomAD 0.007%). This variant has not been reported in the literature in individuals affected with PLCG2-related conditions. ClinVar contains an entry for this variant (Variation ID: 949171). An algorithm developed to predict the effect of missense changes on protein structure and function (PolyPhen-2) suggests that this variant is likely to be tolerated. In summary, the available evidence is currently insufficient to determine the role of this variant in disease. Therefore, it has been classified as a Variant of Uncertain Significance.

Ambry Genetics
Classification: Uncertain significance for Inborn genetic diseases. Last evaluated: 2022-11-17. Review status: criteria provided, single submitter. Criteria: Ambry Variant Classification Scheme 2023. Collection method: clinical testing. Allele origin: germline.

NM_002661.5(PLCG2):c.858T>G (p.Phe286Leu)

Gene: PLCG2 (phospholipase C gamma 2; plus strand). Cytogenetic location: 16q23.3.
Variant type: single nucleotide variant.
Coding change: c.858T>G on transcript NM_002661.5 (MANE Select); coding-DNA position 858, T replaced by G.
Protein change: p.Phe286Leu; replaces phenylalanine 286 with leucine.
Molecular consequence: missense variant.
Genome position (GRCh38, 1-based): chr16:81,889,264, T>G. VCF-style: chr16-81889264-T-G. GRCh37 (hg19) VCF-style: chr16-81922869-T-G.
Other names: c.858T>G (NM_002661.3); short protein forms F286L.
Identifiers: ClinVar variation 949171 (VCV000949171.8), dbSNP rs962152757, ClinGen allele CA285123926.